The following is an entry in ClinVar:

NM_018444.4(PDP1):c.1263G>A (p.Trp421Ter)

Gene: PDP1 (pyruvate dehydrogenase phosphatase catalytic subunit 1; plus strand). Cytogenetic location: 8q22.1.
Variant type: single nucleotide variant.
Coding change: c.1263G>A on transcript NM_018444.4 (MANE Select); coding-DNA position 1263, G replaced by A.
Protein change: p.Trp421Ter; replaces tryptophan 421 with a stop codon.
Molecular consequence: nonsense.
Genome position (GRCh38, 1-based): chr8:93,923,322, G>A. VCF-style: chr8-93923322-G-A. GRCh37 (hg19) VCF-style: chr8-94935550-G-A.
Other names: c.1338G>A, p.Trp446Ter (NM_001161779.2, NM_001161780.2); c.1263G>A, p.Trp421Ter (NM_001161781.2); short protein forms W421*, W446*.
Identifiers: ClinVar variation 391847 (VCV000391847.2), dbSNP rs1057524261, ClinGen allele CA16605443.

ClinVar aggregate classification (germline): Likely pathogenic (1 of 4 stars; one submission).

Submission:

GeneDx
Classification: Likely pathogenic. Last evaluated: 2017-01-05. Review status: criteria provided, single submitter. Criteria: GeneDx Variant Classification (06012015). Collection method: clinical testing. Allele origin: germline. Affected: yes.
Comment: The W421X variant in the PDP1 gene has not been reported previously as a pathogenic variant nor as a benign variant, to our knowledge. This variant is predicted to cause loss of normal protein function through protein truncation. The W421X variant was not observed in approximately 6500 individuals of European and African American ancestry in the NHLBI Exome Sequencing Project, indicating it is not a common benign variant in these populations. We interpret W421X as a likely pathogenic variant.